The following is an entry in ClinVar:

ClinVar aggregate classification (germline): Uncertain significance. Review status: criteria provided, multiple submitters, no conflicts (2 of 4 stars). 6 submissions from 6 submitters: Uncertain significance (5). 1 of the submissions does not count toward it. Last evaluated 2024-10-16.

Conditions:
Senior-Loken syndrome 8 (SLSN8). Identifiers: Orphanet 3156, MedGen C4225376, MONDO:0014579, OMIM 616307.
Asphyxiating thoracic dystrophy 5 (SRTD5). Also called: SHORT-RIB THORACIC DYSPLASIA 5 WITH OR WITHOUT POLYDACTYLY; SHORT-RIB THORACIC DYSPLASIA 5 WITHOUT POLYDACTYLY. Identifiers: Orphanet 474, MedGen C3280598, MONDO:0013717, OMIM 614376.
WDR19-related disorder. Also called: WDR19-related condition; WDR19-related disorders. Identifiers: MedGen CN380161.
Spermatogenic failure 72 (SPGF72). Identifiers: MedGen C5676980, MONDO:0030809, OMIM 619867.
Nephronophthisis 13 (NPHP13). Identifiers: Orphanet 655, MedGen C3280612, MONDO:0013718, OMIM 614377.
Cranioectodermal dysplasia 4 (CED4). Identifiers: Orphanet 1515, MedGen C3280616, MONDO:0013719, OMIM 614378.
Inborn genetic diseases. Identifiers: MedGen C0950123, MeSH D030342.

Allele frequency attached by ClinVar (database versions not stated): gnomAD 0.00003; TOPMed 0.00001; ESP Exome Variant Server 0.00008.
gnomAD v4.1: 32 of 1,613,800 alleles (0.002%); highest among the groups gnomAD compares: South Asian, 0.012%; 1 homozygote.

Submissions (6):

Blueprint Genetics
Classification: Uncertain significance. Last evaluated: 2024-10-16. Review status: criteria provided, single submitter. Criteria: ACMG Guidelines, 2015. Collection method: clinical testing. Allele origin: germline.

Ambry Genetics
Classification: Uncertain significance for Inborn genetic diseases. Last evaluated: 2023-12-20. Review status: criteria provided, single submitter. Criteria: Ambry Variant Classification Scheme 2023. Collection method: clinical testing. Allele origin: germline.

Labcorp Genetics (formerly Invitae), Labcorp
Classification: Uncertain significance for Senior-Loken syndrome 8; Asphyxiating thoracic dystrophy 5. Last evaluated: 2022-08-22. Review status: criteria provided, single submitter. Criteria: Invitae Variant Classification Sherloc (09022015). Collection method: clinical testing. Allele origin: germline.
Comment: This sequence change replaces arginine, which is basic and polar, with histidine, which is basic and polar, at codon 477 of the WDR19 protein (p.Arg477His). This variant is present in population databases (rs371117988, gnomAD 0.01%). This variant has not been reported in the literature in individuals affected with WDR19-related conditions. ClinVar contains an entry for this variant (Variation ID: 96173). Algorithms developed to predict the effect of missense changes on protein structure and function (SIFT, PolyPhen-2, Align-GVGD) all suggest that this variant is likely to be tolerated. In summary, the available evidence is currently insufficient to determine the role of this variant in disease. Therefore, it has been classified as a Variant of Uncertain Significance.

Fulgent Genetics
Classification: Uncertain significance for Asphyxiating thoracic dystrophy 5; Nephronophthisis 13; Cranioectodermal dysplasia 4; Senior-Loken syndrome 8; Spermatogenic failure 72. Last evaluated: 2022-01-07. Review status: criteria provided, single submitter. Criteria: ACMG Guidelines, 2015. Collection method: clinical testing. Allele origin: unknown.

Eurofins Ntd Llc (ga)
Classification: Uncertain significance. Last evaluated: 2013-10-21. Review status: criteria provided, single submitter. Criteria: EGL Classification Definitions 2015. Collection method: clinical testing. Allele origin: germline. Observed: 1 variant allele, 1 heterozygote.

PreventionGenetics, part of Exact Sciences
Classification: Uncertain significance for WDR19-related condition. Last evaluated: 2024-04-19. Review status: no assertion criteria provided. Collection method: clinical testing. Allele origin: germline. Not counted in ClinVar's aggregate classification.
Comment: The WDR19 c.1430G>A variant is predicted to result in the amino acid substitution p.Arg477His. To our knowledge, this variant has not been reported in the literature. This variant is reported in 0.013% of alleles in individuals of South Asian descent in gnomAD. At this time, the clinical significance of this variant is uncertain due to the absence of conclusive functional and genetic evidence.

NM_025132.4(WDR19):c.1430G>A (p.Arg477His)

Gene: WDR19 (WD repeat domain 19; plus strand). Cytogenetic location: 4p14.
Variant type: single nucleotide variant.
Coding change: c.1430G>A on transcript NM_025132.4 (MANE Select); coding-DNA position 1430, G replaced by A.
Protein change: p.Arg477His; replaces arginine 477 with histidine.
Molecular consequence: missense variant.
Genome position (GRCh38, 1-based): chr4:39,218,056, G>A. VCF-style: chr4-39218056-G-A. GRCh37 (hg19) VCF-style: chr4-39219676-G-A.
Other names: c.950G>A, p.Arg317His (NM_001317924.2); short protein forms R477H, R317H.
Identifiers: ClinVar variation 96173 (VCV000096173.16), dbSNP rs371117988, ClinGen allele CA223794.